The following is an entry in ClinVar:

NM_000383.4(AIRE):c.452C>T (p.Thr151Ile)

Gene: AIRE (autoimmune regulator; plus strand). Cytogenetic location: 21q22.3.
Variant type: single nucleotide variant.
Coding change: c.452C>T on transcript NM_000383.4 (MANE Select); coding-DNA position 452, C replaced by T.
Protein change: p.Thr151Ile; replaces threonine 151 with isoleucine.
Molecular consequence: missense variant.
Genome position (GRCh38, 1-based): chr21:44,287,122, C>T. VCF-style: chr21-44287122-C-T. GRCh37 (hg19) VCF-style: chr21-45707005-C-T.
Other names: short protein forms T151I.
Identifiers: ClinVar variation 3691635 (VCV003691635.2).

ClinVar aggregate classification (germline): Uncertain significance (1 of 4 stars; one submission).

Conditions:
Polyglandular autoimmune syndrome, type 1 (APS1). Also called: AUTOIMMUNE POLYENDOCRINE SYNDROME, TYPE I, WITH OR WITHOUT REVERSIBLE METAPHYSEAL DYSPLASIA; APS I; HYPOADRENOCORTICISM WITH HYPOPARATHYROIDISM AND SUPERFICIAL MONILIASIS; PGA I; Autoimmune polyendocrine syndrome type 1; Autoimmune polyendocrinopathy syndrome, type I. Identifiers: Orphanet 3453, MedGen C0085859, MONDO:0009411, OMIM 240300.

Submission:

Labcorp Genetics (formerly Invitae), Labcorp
Classification: Uncertain significance for Polyglandular autoimmune syndrome, type 1. Last evaluated: 2024-04-30. Review status: criteria provided, single submitter. Criteria: Invitae Variant Classification Sherloc (09022015). Collection method: clinical testing. Allele origin: germline.
Comment: This sequence change replaces threonine, which is neutral and polar, with isoleucine, which is neutral and non-polar, at codon 151 of the AIRE protein (p.Thr151Ile). This variant is not present in population databases (gnomAD no frequency). This variant has not been reported in the literature in individuals affected with AIRE-related conditions. Advanced modeling of protein sequence and biophysical properties (such as structural, functional, and spatial information, amino acid conservation, physicochemical variation, residue mobility, and thermodynamic stability) performed at Invitae indicates that this missense variant is not expected to disrupt AIRE protein function with a negative predictive value of 95%. In summary, the available evidence is currently insufficient to determine the role of this variant in disease. Therefore, it has been classified as a Variant of Uncertain Significance.